The following is an entry in ClinVar:

NM_001114753.3(ENG):c.828del (p.Glu276fs)

Gene: ENG (endoglin; minus strand). Cytogenetic location: 9q34.11.
Variant type: Deletion.
Coding change: c.828del on transcript NM_001114753.3 (MANE Select); coding-DNA position 828, one base deleted (A; older notation c.828delA).
Protein change: p.Glu276fs; shifts the reading frame from glutamic acid 276.
Molecular consequence: frameshift variant.
Genome position (GRCh38, 1-based): chr9:127,824,963, T deleted on the plus strand (A on the coding strand, the reverse complement: ENG is on the minus strand); the first of 2 consecutive T bases (chr9:127,824,963-127,824,964); deleting either gives the same sequence. VCF-style (leftmost placement, unchanged base first): chr9-127824962-AT-A. GRCh37 (hg19) VCF-style: chr9-130587241-AT-A.
Other names: c.827delA, p.Glu276Aspfs (NM_000118.4, NM_001406715.1); c.282del, p.Glu94fs (NM_001278138.2); short protein forms E276fs, E94fs.
Identifiers: ClinVar variation 1762760 (VCV001762760.5), dbSNP rs2539073294, ClinGen allele CA2580079647.
Genomic context (GRCh38, chr9:127,824,962, plus strand): 5'-GAGGTGTGTCTGGGAGCTTGAAGCCACGAATGTTTTTCTCTGGAAAGATCTTGAAGGAGT[AT>A]TCTCCAGTGGTCTAATGGTGGGGAGAGAGGCAGAACAGGGGGCCATGGACACAGTCTGTG-3'

ClinVar aggregate classification (germline): Pathogenic. Review status: criteria provided, multiple submitters, no conflicts (2 of 4 stars). 2 submissions from 2 submitters: Pathogenic (2). Last evaluated 2023-02-06.

Conditions:
Cardiovascular phenotype. Identifiers: MedGen CN230736.
Hereditary hemorrhagic telangiectasia (HHT). Also called: ORW DISEASE; Osler Weber Rendu syndrome; OSLER-RENDU-WEBER DISEASE; Osler hemorrhagic telangiectasia syndrome. Identifiers: Orphanet 774, MedGen C0039445, MONDO:0019180. Disease mechanism: loss of function.

Submissions (2):

Labcorp Genetics (formerly Invitae), Labcorp
Classification: Pathogenic for Hereditary hemorrhagic telangiectasia. Last evaluated: 2023-02-06. Review status: criteria provided, single submitter. Criteria: Invitae Variant Classification Sherloc (09022015). Collection method: clinical testing. Allele origin: germline.
Comment: For these reasons, this variant has been classified as Pathogenic. ClinVar contains an entry for this variant (Variation ID: 1762760). This variant has not been reported in the literature in individuals affected with ENG-related conditions. This variant is not present in population databases (gnomAD no frequency). This sequence change creates a premature translational stop signal (p.Glu276Aspfs*83) in the ENG gene. It is expected to result in an absent or disrupted protein product. Loss-of-function variants in ENG are known to be pathogenic (PMID: 15879500).

Ambry Genetics
Classification: Pathogenic for Cardiovascular phenotype. Last evaluated: 2015-06-08. Review status: criteria provided, single submitter. Criteria: Ambry Variant Classification Scheme 2023. Collection method: clinical testing. Allele origin: germline.
Comment: The c.828delA pathogenic mutation, located in coding exon 7 of the ENG gene, results from a deletion of one nucleotide at nucleotide position 828, causing a translational frameshift with a predicted alternate stop codon (p.E276Dfs*83). Since frameshifts are typically deleterious in nature, this alteration is interpreted as a disease-causing mutation (ACMG Recommendations for Standards for Interpretation and Reporting of Sequence Variations. Revision 2007. Genet Med. 2008;10:294).

Literature cited by the submitters: PubMed 15879500 (cited by Labcorp Genetics (formerly Invitae), Labcorp).